The following is an entry in ClinVar:

NM_000400.4(ERCC2):c.1621A>C (p.Ser541Arg)

Gene: ERCC2 (ERCC excision repair 2, TFIIH core complex helicase subunit; minus strand). Cytogenetic location: 19q13.32.
Variant type: single nucleotide variant.
Coding change: c.1621A>C on transcript NM_000400.4 (MANE Select); coding-DNA position 1621, A replaced by C.
Protein change: p.Ser541Arg; replaces serine 541 with arginine.
Molecular consequence: missense variant.
Genome position (GRCh38, 1-based): chr19:45,354,774, T>G on the plus strand (A>C on the coding strand, the complement: ERCC2 is on the minus strand). VCF-style: chr19-45354774-T-G. GRCh37 (hg19) VCF-style: chr19-45858032-T-G.
Other names: short protein forms S541R.
Identifiers: ClinVar variation 16783 (VCV000016783.2), dbSNP rs121913019, ClinGen allele CA257626.

ClinVar aggregate classification (germline): Pathogenic. Review status: criteria provided, single submitter (1 of 4 stars). 2 submissions from 2 submitters: Pathogenic (1). 1 of the submissions does not count toward it. Last evaluated 2025-07-24.

Conditions:
Xeroderma pigmentosum (XP). Identifiers: Orphanet 910, MedGen C0043346, MONDO:0019600.
Xeroderma pigmentosum, group D (XPD). Also called: XERODERMA PIGMENTOSUM IV; XP, GROUP D; XP, GROUP H; XERODERMA PIGMENTOSUM, COMPLEMENTATION GROUP D; ERCC2-Related Xeroderma Pigmentosum. Identifiers: MedGen C0268138, MONDO:0010212, OMIM 278730.

Allele frequency attached by ClinVar (database versions not stated): ExAC 0.00001; gnomAD 0.00001; 1000 Genomes Project 30x 0.00016; 1000 Genomes Project 0.00020.

Submissions (2):

Women's Health and Genetics/Laboratory Corporation of America, LabCorp
Classification: Pathogenic for Xeroderma pigmentosum. Last evaluated: 2025-07-24. Review status: criteria provided, single submitter. Criteria: LabCorp Variant Classification Summary - May 2015. Collection method: clinical testing. Allele origin: germline.
Comment: Variant summary: ERCC2 c.1621A>C (p.Ser541Arg) results in a non-conservative amino acid change in the encoded protein sequence. Algorithms developed to predict the effect of missense changes on protein structure and function all suggest that this variant is likely to be disruptive. The variant was absent in 251456 control chromosomes (gnomAD). c.1621A>C has been observed in multiple individuals affected with Xeroderma Pigmentosum (e.g., Kobayashi_1997, Nakano_2014, Ono_2016). These data indicate that the variant is very likely to be associated with disease. At least one publication reports experimental evidence evaluating an impact on protein function, showing that the variant results in a loss of function (Kobayashi_1997). The following publications have been ascertained in the context of this evaluation (PMID: 9101292, 26993158, 24418926). ClinVar contains an entry for this variant (Variation ID: 16783). Based on the evidence outlined above, the variant was classified as pathogenic.

OMIM
Classification: Pathogenic for XERODERMA PIGMENTOSUM, COMPLEMENTATION GROUP D. Last evaluated: 1997-01-01. Review status: no assertion criteria provided. Collection method: literature only. Allele origin: germline. Not counted in ClinVar's aggregate classification.

Literature cited by the submitters: PubMed 9101292 (cited by Women's Health and Genetics/Laboratory Corporation of America, LabCorp and OMIM); PubMed 24418926 (cited by Women's Health and Genetics/Laboratory Corporation of America, LabCorp); PubMed 26993158 (cited by Women's Health and Genetics/Laboratory Corporation of America, LabCorp).